The following is an entry in ClinVar:

ClinVar aggregate classification (germline): Uncertain significance (1 of 4 stars; one submission).

Conditions:
Dyskeratosis congenita, autosomal dominant 2. Identifiers: MedGen C3151443, MONDO:0013521, OMIM 613989.
Idiopathic Pulmonary Fibrosis. Also called: Idiopathic fibrosing alveolitis, chronic form; idiopathic fibrosing alveolitis. Identifiers: Orphanet 2032, MedGen C1800706, MeSH D054990, MONDO:0800504.

Allele frequency attached by ClinVar (database versions not stated): gnomAD 0.00001.
gnomAD v4.1: 1 of 1,546,328 alleles (0.000065%); highest among the groups gnomAD compares: East Asian, 0.0024%; no homozygotes.

Submission:

Labcorp Genetics (formerly Invitae), Labcorp
Classification: Uncertain significance for Dyskeratosis congenita, autosomal dominant 2; Idiopathic Pulmonary Fibrosis. Last evaluated: 2019-04-23. Review status: criteria provided, single submitter. Criteria: Invitae Variant Classification Sherloc (09022015). Collection method: clinical testing. Allele origin: germline.
Comment: This sequence change replaces proline with arginine at codon 343 of the TERT protein (p.Pro343Arg). The proline residue is weakly conserved and there is a moderate physicochemical difference between proline and arginine. This variant is not present in population databases (ExAC no frequency). This variant has not been reported in the literature in individuals with TERT-related conditions. Algorithms developed to predict the effect of missense changes on protein structure and function output the following: SIFT: "Tolerated"; PolyPhen-2: "Benign"; Align-GVGD: "Class C0". The arginine amino acid residue is found in multiple mammalian species, suggesting that this missense change does not adversely affect protein function. These predictions have not been confirmed by published functional studies and their clinical significance is uncertain. In summary, the available evidence is currently insufficient to determine the role of this variant in disease. Therefore, it has been classified as a Variant of Uncertain Significance.

NM_198253.3(TERT):c.1028C>G (p.Pro343Arg)

Gene: TERT (telomerase reverse transcriptase; minus strand). Cytogenetic location: 5p15.33.
Variant type: single nucleotide variant.
Coding change: c.1028C>G on transcript NM_198253.3 (MANE Select); coding-DNA position 1028, C replaced by G.
Protein change: p.Pro343Arg; replaces proline 343 with arginine.
Molecular consequence: missense variant. On other transcripts: non-coding transcript variant (2).
Genome position (GRCh38, 1-based): chr5:1,293,858, G>C on the plus strand (C>G on the coding strand, the complement: TERT is on the minus strand). VCF-style: chr5-1293858-G-C. GRCh37 (hg19) VCF-style: chr5-1293973-G-C.
Other names: c.1028C>G, p.Pro343Arg (NM_001193376.3); short protein forms P343R.
Identifiers: ClinVar variation 854849 (VCV000854849.10), dbSNP rs1233561979, ClinGen allele CA359055876.